The following is an entry in ClinVar:

ClinVar aggregate classification (germline): Uncertain significance. Review status: criteria provided, single submitter (1 of 4 stars). 2 submissions from 2 submitters: Uncertain significance (1). 1 of the submissions does not count toward it. Last evaluated 2022-08-16.

Conditions:
KIAA1549-related disorder. Also called: KIAA1549-related condition.

Allele frequency attached by ClinVar (database versions not stated): gnomAD 0.00004; gnomAD exomes 0.00004; TOPMed 0.00004.
gnomAD v4.1: 26 of 1,550,708 alleles (0.0017%); highest among the groups gnomAD compares: East Asian, 0.0024%; no homozygotes.

Submissions (2):

Labcorp Genetics (formerly Invitae), Labcorp
Classification: Uncertain significance. Last evaluated: 2022-08-16. Review status: criteria provided, single submitter. Criteria: Invitae Variant Classification Sherloc (09022015). Collection method: clinical testing. Allele origin: germline.
Comment: This sequence change affects codon 1866 of the KIAA1549 mRNA. It is a 'silent' change, meaning that it does not change the encoded amino acid sequence of the KIAA1549 protein. It affects a nucleotide within the consensus splice site. This variant is present in population databases (no rsID available, gnomAD 0.01%). This variant has not been reported in the literature in individuals affected with KIAA1549-related conditions. ClinVar contains an entry for this variant (Variation ID: 1405182). Algorithms developed to predict the effect of sequence changes on RNA splicing suggest that this variant is not likely to affect RNA splicing. In summary, the available evidence is currently insufficient to determine the role of this variant in disease. Therefore, it has been classified as a Variant of Uncertain Significance.

PreventionGenetics, part of Exact Sciences
Classification: Likely benign for KIAA1549-related condition. Last evaluated: 2019-11-20. Review status: no assertion criteria provided. Collection method: clinical testing. Allele origin: germline. Not counted in ClinVar's aggregate classification.
Comment: This variant is classified as likely benign based on ACMG/AMP sequence variant interpretation guidelines (Richards et al. 2015 PMID: 25741868, with internal and published modifications).

NM_001164665.2(KIAA1549):c.5598C>T (p.Ala1866=)

Gene: KIAA1549 (KIAA1549; minus strand). Cytogenetic location: 7q34.
Variant type: single nucleotide variant.
Coding change: c.5598C>T on transcript NM_001164665.2 (MANE Select); coding-DNA position 5598, C replaced by T.
Protein change: p.Ala1866=; no amino-acid change (alanine 1866 retained).
Molecular consequence: synonymous variant.
Genome position (GRCh38, 1-based): chr7:138,840,133, G>A on the plus strand (C>T on the coding strand, the complement: KIAA1549 is on the minus strand). VCF-style: chr7-138840133-G-A. GRCh37 (hg19) VCF-style: chr7-138524878-G-A.
Other names: c.5598C>T, p.Ala1866= (NM_020910.3); c.5598C>T (NM_001164665.1).
Identifiers: ClinVar variation 1405182 (VCV001405182.7), dbSNP rs1336694554, ClinGen allele CA457940971.